The following is an entry in ClinVar:

ClinVar aggregate classification (germline): Uncertain significance. Review status: criteria provided, multiple submitters, no conflicts (2 of 4 stars). 2 submissions from 2 submitters: Uncertain significance (2). Last evaluated 2025-11-13.

Conditions:
Hereditary cancer-predisposing syndrome. Also called: Neoplastic Syndromes, Hereditary; Hereditary Cancer Syndrome; Tumor predisposition; Hereditary neoplastic syndrome. Identifiers: Orphanet 140162, MedGen C0027672, MeSH D009386, MONDO:0015356.
Ataxia-telangiectasia syndrome (AT). Also called: LOUIS-BAR SYNDROME; Cerebello-oculocutaneous telangiectasia; Immunodeficiency with ataxia telangiectasia; Ataxia-telangiectasia, complementation group D; AT, COMPLEMENTATION GROUP C; Ataxia-telangiectasia, complementation group E. Identifiers: Orphanet 100, MedGen C0004135, MONDO:0008840, OMIM 208900.

Submissions (2):

Labcorp Genetics (formerly Invitae), Labcorp
Classification: Uncertain significance for Ataxia-telangiectasia syndrome. Last evaluated: 2025-11-13. Review status: criteria provided, single submitter. Criteria: Invitae Variant Classification Sherloc (09022015). Collection method: clinical testing. Allele origin: germline.
Comment: This sequence change replaces alanine, which is neutral and non-polar, with threonine, which is neutral and polar, at codon 3006 of the ATM protein (p.Ala3006Thr). This variant is not present in population databases (gnomAD no frequency). This variant has not been reported in the literature in individuals affected with ATM-related conditions. ClinVar contains an entry for this variant (Variation ID: 481208). Invitae Evidence Modeling of protein sequence and biophysical properties (such as structural, functional, and spatial information, amino acid conservation, physicochemical variation, residue mobility, and thermodynamic stability) has been performed for this missense variant. However, the output from this modeling did not meet the statistical confidence thresholds required to predict the impact of this variant on ATM protein function. In summary, the available evidence is currently insufficient to determine the role of this variant in disease. Therefore, it has been classified as a Variant of Uncertain Significance.

Ambry Genetics
Classification: Uncertain significance for Hereditary cancer-predisposing syndrome. Last evaluated: 2020-12-10. Review status: criteria provided, single submitter. Criteria: Ambry Variant Classification Scheme 2023. Collection method: clinical testing. Allele origin: germline.
Comment: The p.A3006T variant (also known as c.9016G>A), located in coding exon 62 of the ATM gene, results from a G to A substitution at nucleotide position 9016. The alanine at codon 3006 is replaced by threonine, an amino acid with similar properties. This amino acid position is highly conserved in available vertebrate species. In addition, the in silico prediction for this alteration is inconclusive. Since supporting evidence is limited at this time, the clinical significance of this alteration remains unclear.

NM_000051.4(ATM):c.9016G>A (p.Ala3006Thr)

Genes: ATM (ATM serine/threonine kinase; plus strand), C11orf65 (chromosome 11 open reading frame 65; minus strand). Cytogenetic location: 11q22.3.
Variant type: single nucleotide variant.
Coding change: c.9016G>A on transcript NM_000051.4 (MANE Select); coding-DNA position 9016, G replaced by A.
Protein change: p.Ala3006Thr; replaces alanine 3006 with threonine.
Molecular consequence: missense variant. On other transcripts: intron variant (2).
Genome position (GRCh38, 1-based): chr11:108,365,353, G>A. VCF-style: chr11-108365353-G-A. GRCh37 (hg19) VCF-style: chr11-108236080-G-A.
Other names: c.9016G>A, p.Ala3006Thr (NM_001351834.2); c.640+20567C>T (NM_001330368.2); c.694+20567C>T (NM_001351110.2); short protein forms A3006T.
Identifiers: ClinVar variation 481208 (VCV000481208.16), dbSNP rs876658767, ClinGen allele CA382531040.
Genomic context (GRCh38, chr11:108,365,353, plus strand): 5'-CCTCACTGAAACCTTTGTGTTTTTGTCCTTAGTGATATTGACCAGAGTTTCAACAAAGTA[G>A]CTGAACGTGTCTTAATGAGACTACAAGAGAAACTGAAAGGAGTGGAAGAAGGCACTGTGC-3'
Protein context (NP_000042.3, residues 2996-3016): SDIDQSFNKV[Ala3006Thr]ERVLMRLQEK